The following is an entry in ClinVar:

ClinVar aggregate classification (germline): Likely benign (0 of 4 stars; one submission).

Conditions:
ROBO2-related disorder. Also called: ROBO2-related condition.

gnomAD v4.1: 28 of 1,535,618 alleles (0.0018%); highest among the groups gnomAD compares: Non-Finnish European, 0.0024%; no homozygotes.

Submission:

PreventionGenetics, part of Exact Sciences
Classification: Likely benign for ROBO2-related condition. Last evaluated: 2024-07-16. Review status: no assertion criteria provided. Collection method: clinical testing. Allele origin: germline.
Comment: This variant is classified as likely benign based on ACMG/AMP sequence variant interpretation guidelines (Richards et al. 2015 PMID: 25741868, with internal and published modifications).

NM_001395656.1(ROBO2):c.3773-2333C>T

Gene: ROBO2 (roundabout guidance receptor 2; plus strand). Cytogenetic location: 3p12.3.
Variant type: single nucleotide variant.
Coding change: c.3773-2333C>T on transcript NM_001395656.1 (MANE Select); 2333 bases into the intron before coding-DNA position 3773, C replaced by T.
Molecular consequence: intron variant. On other transcripts: missense variant (1).
Genome position (GRCh38, 1-based): chr3:77,632,537, C>T. VCF-style: chr3-77632537-C-T. GRCh37 (hg19) VCF-style: chr3-77681688-C-T.
Other names: c.3836C>T, p.Ser1279Phe (NM_001290040.2); c.3947-2333C>T (NM_001378191.1, NM_001378195.1, NM_001378196.1); c.3821-2333C>T (NM_001378190.1, NM_001378200.1, NM_001378201.1); c.3820+10105C>T (NM_001378203.1); c.3809-2333C>T (NM_001128929.3); c.3968-2333C>T (NM_001394213.1); c.3842-2333C>T (NM_001378192.1, NM_001378198.1, NM_001378199.1); c.3959-2333C>T (NM_001378194.1); and 7 more; short protein forms S1279F.
Identifiers: ClinVar variation 3350584 (VCV003350584.1).